The following is an entry in ClinVar:

ClinVar aggregate classification (germline): Uncertain significance (1 of 4 stars; one submission).

Conditions:
Cardiovascular phenotype. Identifiers: MedGen CN230736.

Allele frequency attached by ClinVar (database versions not stated): ExAC 0.00001; gnomAD exomes 0.00001; TOPMed 0.00001.
gnomAD v4.1: 6 of 1,614,168 alleles (0.00037%); highest among the groups gnomAD compares: Admixed American, 0.005%; no homozygotes.

Submission:

Ambry Genetics
Classification: Uncertain significance for Cardiovascular phenotype. Last evaluated: 2021-10-21. Review status: criteria provided, single submitter. Criteria: Ambry Variant Classification Scheme 2023. Collection method: clinical testing. Allele origin: germline.
Comment: The p.G270R variant (also known as c.808G>A), located in coding exon 7 of the PRDM5 gene, results from a G to A substitution at nucleotide position 808. The glycine at codon 270 is replaced by arginine, an amino acid with dissimilar properties. This amino acid position is conserved. In addition, this alteration is predicted to be deleterious by in silico analysis. Since supporting evidence is limited at this time, the clinical significance of this alteration remains unclear.

NM_018699.4(PRDM5):c.808G>A (p.Gly270Arg)

Gene: PRDM5 (PR/SET domain 5; minus strand). Cytogenetic location: 4q27.
Variant type: single nucleotide variant.
Coding change: c.808G>A on transcript NM_018699.4 (MANE Select); coding-DNA position 808, G replaced by A.
Protein change: p.Gly270Arg; replaces glycine 270 with arginine.
Molecular consequence: missense variant.
Genome position (GRCh38, 1-based): chr4:120,816,510, C>T on the plus strand (G>A on the coding strand, the complement: PRDM5 is on the minus strand). VCF-style: chr4-120816510-C-T. GRCh37 (hg19) VCF-style: chr4-121737665-C-T.
Other names: c.715G>A, p.Gly239Arg (NM_001300823.2, NM_001300824.2, NM_001379106.1); c.808G>A, p.Gly270Arg (NM_001379104.1); short protein forms G239R, G270R.
Identifiers: ClinVar variation 1761940 (VCV001761940.2), dbSNP rs750569287, ClinGen allele CA3061279.